The following is an entry in ClinVar:

NM_024529.5(CDC73):c.711C>T (p.Ile237=)

Gene: CDC73 (cell division cycle 73; plus strand). Cytogenetic location: 1q31.2.
Variant type: single nucleotide variant.
Coding change: c.711C>T on transcript NM_024529.5 (MANE Select); coding-DNA position 711, C replaced by T.
Protein change: p.Ile237=; no amino-acid change (isoleucine 237 retained).
Molecular consequence: synonymous variant.
Genome position (GRCh38, 1-based): chr1:193,142,048, C>T. VCF-style: chr1-193142048-C-T. GRCh37 (hg19) VCF-style: chr1-193111178-C-T.
Identifiers: ClinVar variation 4718371 (VCV004718371.5).

ClinVar aggregate classification (germline): Likely benign. Review status: criteria provided, multiple submitters, no conflicts (2 of 4 stars). 2 submissions from 2 submitters: Likely benign (2). Last evaluated 2026-06-01.

Conditions:
Parathyroid carcinoma (PRTC). Also called: CDC73-Related Parathyroid Carcinoma; Parathyroid gland carcinoma. Identifiers: Orphanet 143, MedGen C0687150, MONDO:0012004, OMIM 608266, HP:0006780.

Submissions (2):

CeGaT Center for Human Genetics Tuebingen
Classification: Likely benign. Last evaluated: 2026-06-01. Review status: criteria provided, single submitter. Criteria: CeGaT Center For Human Genetics Tuebingen Variant Classification Criteria Version 2. Collection method: clinical testing. Allele origin: germline. Affected: yes. Observed: 1 variant allele.
Comment: CDC73: PM2:Supporting, BP4, BP7

Labcorp Genetics (formerly Invitae), Labcorp
Classification: Likely benign for Parathyroid carcinoma. Last evaluated: 2025-04-27. Review status: criteria provided, single submitter. Criteria: Invitae Variant Classification Sherloc (09022015). Collection method: clinical testing. Allele origin: germline.